The following is an entry in ClinVar:

ClinVar aggregate classification (germline): Uncertain significance (1 of 4 stars; one submission).

Conditions:
TMEM94-related disorder. Also called: TMEM94-related condition.

Allele frequency attached by ClinVar (database versions not stated): gnomAD exomes below 0.00001; TOPMed below 0.00001; gnomAD 0.00001.
gnomAD v4.1: 6 of 1,611,844 alleles (0.00037%); highest among the groups gnomAD compares: Non-Finnish European, 0.00051%; no homozygotes.

Submission:

PreventionGenetics, part of Exact Sciences
Classification: Uncertain significance for TMEM94-related condition. Last evaluated: 2023-08-09. Review status: criteria provided, single submitter. Criteria: ACMG Guidelines, 2015. Collection method: clinical testing. Allele origin: germline.
Comment: The TMEM94 c.1641T>A variant is predicted to result in the amino acid substitution p.Phe547Leu. To our knowledge, this variant has not been reported in the literature or in a large population database, indicating this variant is rare. At this time, the clinical significance of this variant is uncertain due to the absence of conclusive functional and genetic evidence.

NM_014738.6(TMEM94):c.1641T>A (p.Phe547Leu)

Gene: TMEM94 (transmembrane protein 94; plus strand). Cytogenetic location: 17q25.1.
Variant type: single nucleotide variant.
Coding change: c.1641T>A on transcript NM_014738.6 (MANE Select); coding-DNA position 1641, T replaced by A.
Protein change: p.Phe547Leu; replaces phenylalanine 547 with leucine.
Molecular consequence: missense variant.
Genome position (GRCh38, 1-based): chr17:75,492,518, T>A. VCF-style: chr17-75492518-T-A. GRCh37 (hg19) VCF-style: chr17-73488599-T-A.
Other names: c.1671T>A, p.Phe557Leu (NM_001321148.2, NM_001351203.2); c.1653T>A, p.Phe551Leu (NM_001321149.2); c.1593T>A, p.Phe531Leu (NM_001351202.2); short protein forms F531L, F547L, F551L, F557L.
Identifiers: ClinVar variation 2631347 (VCV002631347.1), dbSNP rs1465069369, ClinGen allele CA401013323.